The following is an entry in ClinVar:

ClinVar aggregate classification (germline): Likely benign (0 of 4 stars; one submission).

Conditions:
TBC1D1-related disorder. Also called: TBC1D1-related condition.

Allele frequency attached by ClinVar (database versions not stated): 1000 Genomes Project 30x 0.00016; 1000 Genomes Project 0.00020; ESP Exome Variant Server 0.00023; gnomAD 0.00029; TOPMed 0.00036.
gnomAD v4.1: 337 of 1,614,152 alleles (0.021%); highest among the groups gnomAD compares: Admixed American, 0.092%; no homozygotes.

Submission:

PreventionGenetics, part of Exact Sciences
Classification: Likely benign for TBC1D1-related condition. Last evaluated: 2020-02-12. Review status: no assertion criteria provided. Collection method: clinical testing. Allele origin: germline.
Comment: This variant is classified as likely benign based on ACMG/AMP sequence variant interpretation guidelines (Richards et al. 2015 PMID: 25741868, with internal and published modifications).

NM_001396959.1(TBC1D1):c.2307G>A (p.Ala769=)

Gene: TBC1D1 (TBC1 domain family member 1; plus strand). Cytogenetic location: 4p14.
Variant type: single nucleotide variant.
Coding change: c.2307G>A on transcript NM_001396959.1 (MANE Select); coding-DNA position 2307, G replaced by A.
Protein change: p.Ala769=; no amino-acid change (alanine 769 retained).
Molecular consequence: synonymous variant.
Genome position (GRCh38, 1-based): chr4:38,054,313, G>A. VCF-style: chr4-38054313-G-A. GRCh37 (hg19) VCF-style: chr4-38055934-G-A.
Other names: c.2307G>A, p.Ala769= (NM_001253912.2); c.2025G>A, p.Ala675= (NM_015173.4).
Identifiers: ClinVar variation 3051856 (VCV003051856.2), dbSNP rs369081896, ClinGen allele CA2887977.